The following is an entry in ClinVar:

NM_020117.11(LARS1):c.854A>G (p.Lys285Arg)

Gene: LARS1 (leucyl-tRNA synthetase 1; minus strand). Cytogenetic location: 5q32.
Variant type: single nucleotide variant.
Coding change: c.854A>G on transcript NM_020117.11 (MANE Select); coding-DNA position 854, A replaced by G.
Protein change: p.Lys285Arg; replaces lysine 285 with arginine.
Molecular consequence: missense variant.
Genome position (GRCh38, 1-based): chr5:146,157,614, T>C on the plus strand (A>G on the coding strand, the complement: LARS1 is on the minus strand). VCF-style: chr5-146157614-T-C. GRCh37 (hg19) VCF-style: chr5-145537177-T-C.
Other names: c.716A>G, p.Lys239Arg (NM_001317964.2); c.692A>G, p.Lys231Arg (NM_001317965.2); c.773A>G, p.Lys258Arg (NM_016460.4); short protein forms K231R, K239R, K258R, K285R.
Identifiers: ClinVar variation 4278490 (VCV004278490.1).

ClinVar aggregate classification (germline): Uncertain significance (1 of 4 stars; one submission).

gnomAD v4.1: 4 of 1,614,070 alleles (0.00025%); highest among the groups gnomAD compares: African/African-American, 0.004%; no homozygotes.

Submission:

GeneDx
Classification: Uncertain significance. Last evaluated: 2025-04-04. Review status: criteria provided, single submitter. Criteria: GeneDx Variant Classification Process June 2021. Collection method: clinical testing. Allele origin: germline. Affected: yes.
Comment: Not observed at significant frequency in large population cohorts (gnomAD); In silico analysis indicates that this missense variant does not alter protein structure/function; Has not been previously published as pathogenic or benign to our knowledge